The following is an entry in ClinVar:

NM_002816.5(PSMD12):c.1306A>T (p.Met436Leu)

Gene: PSMD12 (proteasome 26S subunit, non-ATPase 12; minus strand). Cytogenetic location: 17q24.2.
Variant type: single nucleotide variant.
Coding change: c.1306A>T on transcript NM_002816.5 (MANE Select); coding-DNA position 1306, A replaced by T.
Protein change: p.Met436Leu; replaces methionine 436 with leucine.
Molecular consequence: missense variant.
Genome position (GRCh38, 1-based): chr17:67,340,908, T>A on the plus strand (A>T on the coding strand, the complement: PSMD12 is on the minus strand). VCF-style: chr17-67340908-T-A. GRCh37 (hg19) VCF-style: chr17-65337024-T-A.
Other names: c.1129A>T, p.Met377Leu (NM_001316341.2); c.1246A>T, p.Met416Leu (NM_174871.4); short protein forms M377L, M416L, M436L.
Identifiers: ClinVar variation 2504493 (VCV002504493.1), dbSNP rs2041908374, ClinGen allele CA400803229.

ClinVar aggregate classification (germline): Uncertain significance (1 of 4 stars; one submission).

Submission:

GeneDx
Classification: Uncertain significance. Last evaluated: 2022-12-04. Review status: criteria provided, single submitter. Criteria: GeneDx Variant Classification Process June 2021. Collection method: clinical testing. Allele origin: germline. Affected: yes.
Comment: Not observed at significant frequency in large population cohorts (gnomAD); In silico analysis supports that this missense variant does not alter protein structure/function; Has not been previously published as pathogenic or benign to our knowledge